The following is an entry in ClinVar:

NM_001079866.2(BCS1L):c.27_89del (p.Lys11_Leu31del)

Gene: BCS1L (BCS1 ubiquinol-cytochrome c reductase complex chaperone; plus strand). Cytogenetic location: 2q35.
Variant type: Deletion.
Coding change: c.27_89del on transcript NM_001079866.2 (MANE Select); coding-DNA positions 27 to 89, 63 bases deleted.
Protein change: p.Lys11_Leu31del.
Molecular consequence: inframe deletion. On other transcripts: 5 prime UTR variant (5), non-coding transcript variant (1), intron variant (3).
Genome position (GRCh38, 1-based): chr2:218,661,014-218,661,076, 63 bases deleted. GRCh37 (hg19): chr2:219,525,737-219,525,799.
Other names: c.27_89del, p.Lys11_Leu31del (NM_001257342.2, NM_001257343.2, NM_001257344.2 and 10 more transcripts); c.-450_-388del (NM_001371453.1, NM_001371454.1, NM_001371455.1 and 2 more transcripts); c.-41+266_-41+328del (NM_001371451.1); c.-40-392_-40-330del (NM_001318836.2); c.-41-745_-41-683del (NM_001371452.1).
Identifiers: ClinVar variation 5004362 (VCV005004362.1).

ClinVar aggregate classification (germline): Uncertain significance (1 of 4 stars; one submission).

Conditions:
BCS1L-related disorder. Also called: BCS1L-related condition; BCS1L-related disorders. Identifiers: MedGen CN239240.

Submission:

Myriad Genetics, Inc.
Classification: Uncertain significance for BCS1L-related disorder. Last evaluated: 2026-01-02. Review status: criteria provided, single submitter. Criteria: Myriad Autosomal Dominant, Autosomal Recessive and X-Linked Classification Criteria (2023). Collection method: clinical testing. Allele origin: unknown.
Comment: NM_004328.4(BCS1L):c.27_89del63(K11_L31del) is an in-frame deletion classified as a variant of uncertain significance in the context of BCS1L-related disorders. K11_L31del has not been observed in cases with relevant disease. Relevant functional assessments of this variant are not available in the literature. K11_L31del has not been observed in referenced population frequency databases. In summary, there is insufficient evidence to classify NM_004328.4(BCS1L):c.27_89del63(K11_L31del) as pathogenic or benign. Please note: this variant was assessed in the context of healthy population screening.